The following is an entry in ClinVar:

ClinVar aggregate classification (germline): Uncertain significance (1 of 4 stars; one submission).

Conditions:
Hereditary cancer-predisposing syndrome. Also called: Neoplastic Syndromes, Hereditary; Tumor predisposition; Hereditary Cancer Syndrome; Hereditary neoplastic syndrome. Identifiers: Orphanet 140162, MedGen C0027672, MeSH D009386, MONDO:0015356.

Submission:

Ambry Genetics
Classification: Uncertain significance for Hereditary cancer-predisposing syndrome. Last evaluated: 2025-01-06. Review status: criteria provided, single submitter. Criteria: Ambry Variant Classification Scheme 2023. Collection method: clinical testing. Allele origin: germline.
Comment: The p.A670V variant (also known as c.2009C>T), located in coding exon 7 of the MET gene, results from a C to T substitution at nucleotide position 2009. The alanine at codon 670 is replaced by valine, an amino acid with similar properties. This amino acid position is not well conserved in available vertebrate species. In addition, this alteration is predicted to be tolerated by in silico analysis. Based on the available evidence, the clinical significance of this variant remains unclear.

NM_000245.4(MET):c.2009C>T (p.Ala670Val)

Gene: MET (MET proto-oncogene, receptor tyrosine kinase; plus strand). Cytogenetic location: 7q31.2.
Variant type: single nucleotide variant.
Coding change: c.2009C>T on transcript NM_000245.4 (MANE Select); coding-DNA position 2009, C replaced by T.
Protein change: p.Ala670Val; replaces alanine 670 with valine.
Molecular consequence: missense variant.
Genome position (GRCh38, 1-based): chr7:116,757,681, C>T. VCF-style: chr7-116757681-C-T. GRCh37 (hg19) VCF-style: chr7-116397735-C-T.
Other names: c.2009C>T, p.Ala670Val (NM_001127500.3, NM_001324401.3); c.719C>T, p.Ala240Val (NM_001324402.2); short protein forms A240V, A670V.
Identifiers: ClinVar variation 1784369 (VCV001784369.3), dbSNP rs2116923666, ClinGen allele CA368979738.
Genomic context (GRCh38, chr7:116,757,681, plus strand): 5'-TTTTATCTCCCCTCCAGGATCCTGTAATAACAAGTATTTCGCCGAAATACGGTCCTATGG[C>T]TGGTGGCACTTTACTTACTTTAACTGGAAATTACCTAAACAGTGGGAATTCTAGACACAT-3'
Protein context (NP_000236.2, residues 660-680): TSISPKYGPM[Ala670Val]GGTLLTLTGN